The following is an entry in ClinVar:

NM_001365480.1(CCDC88A):c.3101G>C (p.Ser1034Thr)

Gene: CCDC88A (coiled-coil and HOOK domain protein 88A; minus strand). Cytogenetic location: 2p16.1.
Variant type: single nucleotide variant.
Coding change: c.3101G>C on transcript NM_001365480.1 (MANE Select); coding-DNA position 3101, G replaced by C.
Protein change: p.Ser1034Thr; replaces serine 1034 with threonine.
Molecular consequence: missense variant.
Genome position (GRCh38, 1-based): chr2:55,322,589, C>G on the plus strand (G>C on the coding strand, the complement: CCDC88A is on the minus strand). VCF-style: chr2-55322589-C-G. GRCh37 (hg19) VCF-style: chr2-55549725-C-G.
Other names: c.3098G>C, p.Ser1033Thr (NM_001135597.2, NM_001254943.2); c.3101G>C, p.Ser1034Thr (NM_018084.5); short protein forms S1033T, S1034T.
Identifiers: ClinVar variation 2132377 (VCV002132377.4), dbSNP rs1048313249, ClinGen allele CA346895039.
Genomic context (GRCh38, chr2:55,322,589, plus strand): 5'-TTTCTTTCTACTTCAATTAATCTGTCTTTAACTTTCAGAAGTTCTCTAGTCGTTTCTTGA[C>G]TTTCTCGCTCCCATTTGTTGTCTTCACCAGATATTGGAGGAGAGCTCTGTACCATCCTTT-3'
Protein context (NP_001352409.1, residues 1024-1044): SGEDNKWERE[Ser1034Thr]QETTRELLKV

ClinVar aggregate classification (germline): Uncertain significance (1 of 4 stars; one submission).

Submission:

Labcorp Genetics (formerly Invitae), Labcorp
Classification: Uncertain significance. Last evaluated: 2024-05-13. Review status: criteria provided, single submitter. Criteria: Invitae Variant Classification Sherloc (09022015). Collection method: clinical testing. Allele origin: germline.
Comment: This sequence change replaces serine, which is neutral and polar, with threonine, which is neutral and polar, at codon 1033 of the CCDC88A protein (p.Ser1033Thr). This variant is not present in population databases (gnomAD no frequency). This variant has not been reported in the literature in individuals affected with CCDC88A-related conditions. ClinVar contains an entry for this variant (Variation ID: 2132377). An algorithm developed to predict the effect of missense changes on protein structure and function (PolyPhen-2) suggests that this variant is likely to be tolerated. In summary, the available evidence is currently insufficient to determine the role of this variant in disease. Therefore, it has been classified as a Variant of Uncertain Significance.